The following is an entry in ClinVar:

ClinVar aggregate classification (germline): Pathogenic. Review status: criteria provided, multiple submitters, no conflicts (2 of 4 stars). 3 submissions from 3 submitters: Pathogenic (3). Last evaluated 2023-08-11.

Conditions:
Hereditary cancer-predisposing syndrome. Also called: Neoplastic Syndromes, Hereditary; Tumor predisposition; Hereditary Cancer Syndrome; Hereditary neoplastic syndrome. Identifiers: Orphanet 140162, MedGen C0027672, MeSH D009386, MONDO:0015356.
Lynch syndrome 5 (LYNCH5). Also called: Colorectal cancer, hereditary nonpolyposis, type 5; Hereditary non-polyposis colorectal cancer, type 5. Identifiers: Orphanet 144, MedGen C1833477, MONDO:0013710, OMIM 614350. Disease mechanism: loss of function.
Hereditary nonpolyposis colorectal neoplasms. Identifiers: MedGen C0009405, MeSH D003123.

Submissions (3):

Myriad Genetics, Inc.
Classification: Pathogenic for Lynch syndrome 5. Last evaluated: 2023-08-11. Review status: criteria provided, single submitter. Criteria: Myriad Autosomal Dominant, Autosomal Recessive and X-Linked Classification Criteria (2023). Collection method: clinical testing. Allele origin: unknown.
Comment: This variant is considered pathogenic. This variant creates a termination codon and is predicted to result in premature protein truncation.

Ambry Genetics
Classification: Pathogenic for Hereditary cancer-predisposing syndrome. Last evaluated: 2023-08-09. Review status: criteria provided, single submitter. Criteria: Ambry Variant Classification Scheme 2023. Collection method: clinical testing. Allele origin: germline.
Comment: The c.1248dupT pathogenic mutation, located in coding exon 4 of the MSH6 gene, results from a duplication of T at nucleotide position 1248, causing a translational frameshift with a predicted alternate stop codon (p.K417*). This alteration is expected to result in loss of function by premature protein truncation or nonsense-mediated mRNA decay. As such, this alteration is interpreted as a disease-causing mutation.

Labcorp Genetics (formerly Invitae), Labcorp
Classification: Pathogenic for Hereditary nonpolyposis colorectal neoplasms. Last evaluated: 2018-12-17. Review status: criteria provided, single submitter. Criteria: Invitae Variant Classification Sherloc (09022015). Collection method: clinical testing. Allele origin: germline.
Comment: This sequence change creates a premature translational stop signal (p.Lys417*) in the MSH6 gene. It is expected to result in an absent or disrupted protein product. The frequency data for this variant in the population databases is considered unreliable, as metrics indicate poor data quality at this position in the ExAC database. This variant has not been reported in the literature in individuals with MSH6-related disease. Loss-of-function variants in MSH6 are known to be pathogenic (PMID: 18269114, 24362816). For these reasons, this variant has been classified as Pathogenic.

Literature cited by the submitters: PubMed 18269114 (cited by Labcorp Genetics (formerly Invitae), Labcorp); PubMed 24362816 (cited by Labcorp Genetics (formerly Invitae), Labcorp).

NM_000179.3(MSH6):c.1248dup (p.Lys417Ter)

Gene: MSH6 (mutS homolog 6; plus strand). Cytogenetic location: 2p16.3.
Variant type: Duplication.
Coding change: c.1248dup on transcript NM_000179.3 (MANE Select); coding-DNA position 1248, one base duplicated (T; older notation c.1248dupT).
Protein change: p.Lys417Ter; replaces lysine 417 with a stop codon.
Molecular consequence: nonsense.
Genome position (GRCh38, 1-based): chr2:47,799,231, T duplicated; the last of 2 consecutive T bases (chr2:47,799,230-47,799,231); duplicating either gives the same sequence. VCF-style (leftmost placement, unchanged base first): chr2-47799229-A-AT. GRCh37 (hg19) VCF-style: chr2-48026368-A-AT.
Other names: c.858dup, p.Lys287Ter (NM_001281492.2); c.342dup, p.Lys115Ter (NM_001281493.2, NM_001281494.2); c.1248dupT (NM_000179.2); short protein forms K115*, K417*, K287*.
Identifiers: ClinVar variation 649212 (VCV000649212.11), dbSNP rs778555956, ClinGen allele CA067401.